The following is an entry in ClinVar:

ClinVar aggregate classification (germline): Benign/Likely benign. Review status: criteria provided, multiple submitters, no conflicts (2 of 4 stars). 3 submissions from 3 submitters: Benign (1); Likely benign (2). Last evaluated 2025-09-13.

Conditions:
Ataxia-telangiectasia syndrome (AT). Also called: Cerebello-oculocutaneous telangiectasia; Immunodeficiency with ataxia telangiectasia; Ataxia-telangiectasia, complementation group D; AT, COMPLEMENTATION GROUP C; ATAXIA-TELANGIECTASIA, COMPLEMENTATION GROUP A; ATAXIA-TELANGIECTASIA, FRESNO VARIANT. Identifiers: Orphanet 100, MedGen C0004135, MONDO:0008840, OMIM 208900.
Familial cancer of breast. Also called: hereditary breast carcinoma; Hereditary breast cancer; BREAST CANCER, FAMILIAL. Identifiers: Orphanet 227535, MedGen C0346153, MONDO:0016419, OMIM 114480. Disease mechanism: loss of function.
Hereditary cancer-predisposing syndrome. Also called: Neoplastic Syndromes, Hereditary; Hereditary neoplastic syndrome; Hereditary Cancer Syndrome; Tumor predisposition. Identifiers: Orphanet 140162, MedGen C0027672, MeSH D009386, MONDO:0015356.

Allele frequency attached by ClinVar (database versions not stated): TOPMed below 0.00001.

Submissions (3):

Labcorp Genetics (formerly Invitae), Labcorp
Classification: Likely benign for Ataxia-telangiectasia syndrome. Last evaluated: 2025-09-13. Review status: criteria provided, single submitter. Criteria: Invitae Variant Classification Sherloc (09022015). Collection method: clinical testing. Allele origin: germline.

Myriad Genetics, Inc.
Classification: Benign for Familial cancer of breast. Last evaluated: 2024-05-15. Review status: criteria provided, single submitter. Criteria: Myriad Autosomal Dominant, Autosomal Recessive and X-Linked Classification Criteria (2023). Collection method: clinical testing. Allele origin: unknown.
Comment: This variant is considered benign. This variant is a silent/synonymous amino acid change and it is not expected to impact splicing.

Ambry Genetics
Classification: Likely benign for Hereditary cancer-predisposing syndrome. Last evaluated: 2023-01-28. Review status: criteria provided, single submitter. Criteria: Ambry Variant Classification Scheme 2023. Collection method: clinical testing. Allele origin: germline.

NM_000051.4(ATM):c.3768T>A (p.Ile1256=)

Gene: ATM (ATM serine/threonine kinase; plus strand). Cytogenetic location: 11q22.3.
Variant type: single nucleotide variant.
Coding change: c.3768T>A on transcript NM_000051.4 (MANE Select); coding-DNA position 3768, T replaced by A.
Protein change: p.Ile1256=; no amino-acid change (isoleucine 1256 retained).
Molecular consequence: synonymous variant.
Genome position (GRCh38, 1-based): chr11:108,284,248, T>A. VCF-style: chr11-108284248-T-A. GRCh37 (hg19) VCF-style: chr11-108154975-T-A.
Other names: c.3768T>A, p.Ile1256= (NM_001351834.2); c.3768T>A (NM_000051.3).
Identifiers: ClinVar variation 1101371 (VCV001101371.10), dbSNP rs765538231, ClinGen allele CA6265352.